The following is an entry in ClinVar:

ClinVar aggregate classification (germline): Uncertain significance. Review status: criteria provided, multiple submitters, no conflicts (2 of 4 stars). 2 submissions from 2 submitters: Uncertain significance (2). Last evaluated 2023-12-27.

Conditions:
Epidermolysis bullosa simplex 5B, with muscular dystrophy (EBS5B). Also called: EPIDERMOLYSIS BULLOSA SIMPLEX AND LIMB-GIRDLE MUSCULAR DYSTROPHY; Epidermolysis bullosa simplex with muscular dystrophy. Identifiers: Orphanet 257, MedGen C2931072, MONDO:0009181, OMIM 226670.
Epidermolysis bullosa simplex, Ogna type (EBS5A). Also called: Pidermolysis bullosa simplex 5A, Ogna type; EPIDERMOLYSIS BULLOSA SIMPLEX 5A, OGNA TYPE. Identifiers: Orphanet 79401, MedGen C0432317, MONDO:0007555, OMIM 131950.
Epidermolysis bullosa simplex 5C, with pyloric atresia (EBS5C). Also called: Epidermolysis bullosa simplex with pyloric atresia; PLEC-Related Epidermolysis Bullosa with Pyloric Atresia; PLEC1-Related Epidermolysis Bullosa with Pyloric Atresia. Identifiers: Orphanet 158684, MedGen C2677349, MONDO:0012807, OMIM 612138.
Epidermolysis bullosa simplex with nail dystrophy (EBS5D). Identifiers: MedGen C4225309, MONDO:0014661, OMIM 616487.
Autosomal recessive limb-girdle muscular dystrophy type 2Q (LGMDR17). Also called: MUSCULAR DYSTROPHY, LIMB-GIRDLE, AUTOSOMAL RECESSIVE 17. Identifiers: Orphanet 254361, MedGen C3150989, MONDO:0013390, OMIM 613723.

gnomAD v4.1: 41 of 1,609,846 alleles (0.0025%); highest among the groups gnomAD compares: South Asian, 0.042%; no homozygotes.

Submissions (2):

Revvity Omics, Revvity
Classification: Uncertain significance. Last evaluated: 2023-12-27. Review status: criteria provided, single submitter. Criteria: ACMG Guidelines, 2015. Collection method: clinical testing. Allele origin: germline.

Labcorp Genetics (formerly Invitae), Labcorp
Classification: Uncertain significance for Autosomal recessive limb-girdle muscular dystrophy type 2Q; Epidermolysis bullosa simplex, Ogna type; Epidermolysis bullosa simplex with nail dystrophy; Epidermolysis bullosa simplex 5C, with pyloric atresia; Epidermolysis bullosa simplex 5B, with muscular dystrophy. Last evaluated: 2019-06-25. Review status: criteria provided, single submitter. Criteria: Invitae Variant Classification Sherloc (09022015). Collection method: clinical testing. Allele origin: germline.
Comment: This variant has not been reported in the literature in individuals with PLEC-related conditions. In summary, the available evidence is currently insufficient to determine the role of this variant in disease. Therefore, it has been classified as a Variant of Uncertain Significance. Algorithms developed to predict the effect of missense changes on protein structure and function (SIFT, PolyPhen-2, Align-GVGD) all suggest that this variant is likely to be tolerated, but these predictions have not been confirmed by published functional studies and their clinical significance is uncertain. This variant is present in population databases (rs375106164, ExAC 0.04%). This sequence change replaces histidine with glutamine at codon 2197 of the PLEC protein (p.His2197Gln). The histidine residue is highly conserved and there is a small physicochemical difference between histidine and glutamine.

NM_201384.3(PLEC):c.6510T>A (p.His2170Gln)

Gene: PLEC (plectin; minus strand). Cytogenetic location: 8q24.3.
Variant type: single nucleotide variant.
Coding change: c.6510T>A on transcript NM_201384.3 (MANE Select); coding-DNA position 6510, T replaced by A.
Protein change: p.His2170Gln; replaces histidine 2170 with glutamine.
Molecular consequence: missense variant.
Genome position (GRCh38, 1-based): chr8:143,923,419, A>T on the plus strand (T>A on the coding strand, the complement: PLEC is on the minus strand). VCF-style: chr8-143923419-A-T. GRCh37 (hg19) VCF-style: chr8-144997587-A-T.
Other names: c.6591T>A, p.His2197Gln (NM_000445.5); c.6468T>A, p.His2156Gln (NM_201378.4); c.6444T>A, p.His2148Gln (NM_201379.3); c.6921T>A, p.His2307Gln (NM_201380.4); c.6414T>A, p.His2138Gln (NM_201381.3); c.6510T>A, p.His2170Gln (NM_201382.4); c.6522T>A, p.His2174Gln (NM_201383.3); short protein forms H2156Q, H2307Q, H2148Q, H2170Q, H2138Q, H2174Q, H2197Q.
Identifiers: ClinVar variation 939046 (VCV000939046.8), dbSNP rs375106164, ClinGen allele CA4925961.